The following is an entry in ClinVar:

ClinVar aggregate classification (germline): Likely pathogenic (1 of 4 stars; one submission).

Conditions:
Junctional epidermolysis bullosa gravis of Herlitz. Also called: Herlitz-type junctional epidermolysis bullosa; EPIDERMOLYSIS BULLOSA, JUNCTIONAL 1B, SEVERE; EPIDERMOLYSIS BULLOSA JUNCTIONALIS, HERLITZ TYPE; EPIDERMOLYSIS BULLOSA, JUNCTIONAL, HERLITZ-PEARSON TYPE; JEB-HERLITZ TYPE; Epidermolysis Bullosa Letalis. Identifiers: Orphanet 79404, MedGen C0079683, MONDO:0009182, OMIM 226700.

Submission:

Myriad Genetics, Inc.
Classification: Likely pathogenic for Junctional epidermolysis bullosa gravis of Herlitz. Last evaluated: 2021-12-30. Review status: criteria provided, single submitter. Criteria: Myriad Women's Health Autosomal Recessive and X-Linked Classification Criteria (2021). Collection method: clinical testing. Allele origin: unknown.
Comment: NM_005562.2(LAMC2):c.2944A>T(K982*) is expected to be pathogenic in the context of junctional epidermolysis bullosa, LAMC2-related. This variant is predicted to lead to an abnormal or absent protein product due to the creation of a premature termination codon in LAMC2, a gene where loss-of-function variants are known to be pathogenic. Please note: this variant was assessed in the context of healthy population screening.

NM_005562.3(LAMC2):c.2944A>T (p.Lys982Ter)

Gene: LAMC2 (laminin subunit gamma 2; plus strand). Cytogenetic location: 1q25.3.
Variant type: single nucleotide variant.
Coding change: c.2944A>T on transcript NM_005562.3 (MANE Select); coding-DNA position 2944, A replaced by T.
Protein change: p.Lys982Ter; replaces lysine 982 with a stop codon.
Molecular consequence: nonsense.
Genome position (GRCh38, 1-based): chr1:183,239,438, A>T. VCF-style: chr1-183239438-A-T. GRCh37 (hg19) VCF-style: chr1-183208573-A-T.
Other names: c.2944A>T, p.Lys982Ter (NM_018891.3); short protein forms K982*.
Identifiers: ClinVar variation 1726704 (VCV001726704.2), dbSNP rs2526127586, ClinGen allele CA343659286.
Genomic context (GRCh38, chr1:183,239,438, plus strand): 5'-GTGGACAACAGAAAAGCAGAAGCTGAAGAAGCCATGAAGAGACTCTCCTACATCAGCCAG[A>T]AGGTTTCAGATGCCAGTGACAAGACCCAGCAAGCAGAAAGAGCCCTGGGGAGCGCTGCTG-3'